The following is an entry in ClinVar:

NM_001164508.2(NEB):c.18751A>G (p.Met6251Val)

Gene: NEB (nebulin; minus strand). Cytogenetic location: 2q23.3.
Variant type: single nucleotide variant.
Coding change: c.18751A>G on transcript NM_001164508.2 (MANE Select); coding-DNA position 18751, A replaced by G.
Protein change: p.Met6251Val; replaces methionine 6251 with valine.
Molecular consequence: missense variant.
Genome position (GRCh38, 1-based): chr2:151,562,751, T>C on the plus strand (A>G on the coding strand, the complement: NEB is on the minus strand). VCF-style: chr2-151562751-T-C. GRCh37 (hg19) VCF-style: chr2-152419265-T-C.
Other names: c.18751A>G, p.Met6251Val (NM_001164507.2, NM_001271208.2); c.13648A>G, p.Met4550Val (NM_004543.5); short protein forms M4550V, M6251V.
Identifiers: ClinVar variation 2177325 (VCV002177325.4), dbSNP rs749383803, ClinGen allele CA1907859.
Genomic context (GRCh38, chr2:151,562,751, plus strand): 5'-GTCGATACTCCAGGTCACTGAGGATGTACTGGCACCTTTTAGCCAGCACGTGATTCATCA[T>C]GTCATTGGGGATATGAACATTTGCTTTGGTATCCTCATAATGTTTTCTGTAGTTCAACTA-3'
Protein context (NP_001157980.2, residues 6241-6261): TKANVHIPND[Met6251Val]MNHVLAKRCQ

ClinVar aggregate classification (germline): Uncertain significance. Review status: criteria provided, multiple submitters, no conflicts (2 of 4 stars). 2 submissions from 2 submitters: Uncertain significance (2). Last evaluated 2024-10-17.

Conditions:
Nemaline myopathy 2 (NEM2). Also called: Nemaline myopathy 2, autosomal recessive. Identifiers: MedGen C1850569, MONDO:0009725, OMIM 256030.

Allele frequency attached by ClinVar (database versions not stated): gnomAD 0.00001; TOPMed 0.00001; ExAC 0.00002; gnomAD exomes below 0.00001.
gnomAD v4.1: 8 of 1,599,372 alleles (0.0005%); highest among the groups gnomAD compares: Non-Finnish European, 0.00068%; no homozygotes.

Submissions (2):

Labcorp Genetics (formerly Invitae), Labcorp
Classification: Uncertain significance for Nemaline myopathy 2. Last evaluated: 2024-10-17. Review status: criteria provided, single submitter. Criteria: Invitae Variant Classification Sherloc (09022015). Collection method: clinical testing. Allele origin: germline.
Comment: This sequence change replaces methionine, which is neutral and non-polar, with valine, which is neutral and non-polar, at codon 6251 of the NEB protein (p.Met6251Val). This variant is present in population databases (rs749383803, gnomAD 0.002%). This variant has not been reported in the literature in individuals affected with NEB-related conditions. ClinVar contains an entry for this variant (Variation ID: 2177325). Experimental studies and prediction algorithms are not available or were not evaluated, and the functional significance of this variant is currently unknown. In summary, the available evidence is currently insufficient to determine the role of this variant in disease. Therefore, it has been classified as a Variant of Uncertain Significance.

GeneDx
Classification: Uncertain significance. Last evaluated: 2023-12-07. Review status: criteria provided, single submitter. Criteria: GeneDx Variant Classification Process June 2021. Collection method: clinical testing. Allele origin: germline. Affected: yes.
Comment: Not observed at significant frequency in large population cohorts (gnomAD); In silico analysis supports that this missense variant has a deleterious effect on protein structure/function; Has not been previously published as pathogenic or benign to our knowledge